The following is an entry in ClinVar:

NM_000363.5(TNNI3):c.258del (p.Leu88fs)

Gene: TNNI3 (troponin I3, cardiac type; minus strand). Cytogenetic location: 19q13.42.
Variant type: Deletion.
Coding change: c.258del on transcript NM_000363.5 (MANE Select); coding-DNA position 258, one base deleted (C; older notation c.258delC).
Protein change: p.Leu88fs; shifts the reading frame from leucine 88.
Molecular consequence: frameshift variant.
Genome position (GRCh38, 1-based): chr19:55,156,225, G deleted on the plus strand (C on the coding strand, the reverse complement: TNNI3 is on the minus strand); the first of 2 consecutive G bases (chr19:55,156,225-55,156,226); deleting either gives the same sequence. VCF-style (leftmost placement, unchanged base first): chr19-55156224-CG-C. GRCh37 (hg19) VCF-style: chr19-55667592-CG-C.
Other names: c.258del (LRG_432t1, NM_000363.4); short protein forms L88fs.
Identifiers: ClinVar variation 165522 (VCV000165522.20), dbSNP rs727503507, ClinGen allele CA021438.
Genomic context (GRCh38, chr19:55,156,224, plus strand): 5'-CCGGGACTAGAAACCTCGCATCCTTGGGAGCCGGTACCTGCAGCTCCGCGAAGCCCAGCC[CG>C]GCCAACTCCAGCGGCTGGCAGCGGGTGCTCAGAGCGCGCCCCTTCTCTCCGCGCCGCTCC-3'

ClinVar aggregate classification (germline): Conflicting classifications of pathogenicity. Review status: criteria provided, conflicting classifications (1 of 4 stars). 7 submissions from 7 submitters: Pathogenic (2); Uncertain significance (5). Last evaluated 2025-12-19.

Conditions:
Cardiovascular phenotype. Identifiers: MedGen CN230736.
Cardiomyopathy (CMYO). Also called: Cardiomyopathies. Identifiers: Orphanet 167848, MedGen C0878544, MONDO:0004994, HP:0001638. Inheritance: Various modes of inheritance.
Hypertrophic cardiomyopathy 7. Also called: TNNI3-Related Familial Hypertrophic Cardiomyopathy; Familial hypertrophic cardiomyopathy 7; CARDIOMYOPATHY, FAMILIAL HYPERTROPHIC, 7, MODIFIER OF. Identifiers: MedGen C1860752, MONDO:0013369, OMIM 613690.
Hypertrophic cardiomyopathy. Also called: HYPERTROPHIC MYOCARDIOPATHY. Identifiers: Orphanet 217569, MedGen C0007194, MeSH D002312, MONDO:0005045, HP:0001639.

Submissions (7):

Labcorp Genetics (formerly Invitae), Labcorp
Classification: Pathogenic for Hypertrophic cardiomyopathy. Last evaluated: 2025-12-19. Review status: criteria provided, single submitter. Criteria: Invitae Variant Classification Sherloc (09022015). Collection method: clinical testing. Allele origin: germline.
Comment: This sequence change creates a premature translational stop signal (p.Leu88Trpfs*27) in the TNNI3 gene. It is expected to result in an absent or disrupted protein product. Loss-of-function variants in TNNI3 are known to be pathogenic (PMID: 31568572, 34036930, 35838873). This variant is present in population databases (rs727503507, gnomAD 0.003%). This premature translational stop signal has been observed in individual(s) with autosomal recessive TNNI3-related conditions (PMID: 34036930). This variant is also known as delC (p.A86fs). ClinVar contains an entry for this variant (Variation ID: 165522). For these reasons, this variant has been classified as Pathogenic.

Color Diagnostics, LLC DBA Color Health
Classification: Uncertain significance for Cardiomyopathy. Last evaluated: 2025-07-10. Review status: criteria provided, single submitter. Criteria: ACMG Guidelines, 2015. Collection method: clinical testing. Allele origin: germline.
Comment: This variant deletes 1 nucleotide in exon 5 of the TNNI3 gene, creating a frameshift and premature translation stop signal. This variant is expected to result in an absent or non-functional protein product. To our knowledge, functional studies have not been reported for this variant. This variant has been reported in two individuals affected with hypertrophic cardiomyopathy (PMID: 18533079, 25524337). This variant has also been reported in homozygous state in two children affected with dilated cardiomyopathy, whose heterozygous parents were reported to be healthy (PMID: 34036930, 36699461). This variant has been identified in 2/242566 chromosomes in the general population by the Genome Aggregation Database (gnomAD). Clinical relevance of loss-of-function truncation and splice variants in the TNNI3 gene in autosomal dominant cardiovascular disorders is not clearly established. The available evidence is insufficient to determine the role of this variant in disease conclusively. Therefore, this variant is classified as a Variant of Uncertain Significance.

All of Us Research Program, National Institutes of Health
Classification: Uncertain significance for Hypertrophic cardiomyopathy. Last evaluated: 2024-08-06. Review status: criteria provided, single submitter. Criteria: ACMG Guidelines, 2015. Collection method: clinical testing. Allele origin: germline. Inheritance: Autosomal dominant inheritance. Observed: 3 variant alleles, 3 heterozygotes.
Comment: This variant (also known as A86fs in literature due to the use of alternate nomenclature) deletes 1 nucleotide in exon 5 of the TNNI3 gene, creating a frameshift and premature translation stop signal. This variant is expected to result in an absent or non-functional protein product. To our knowledge, functional studies have not been reported for this variant. This variant has been reported in two individuals affected with hypertrophic cardiomyopathy (PMID: 18533079, 25524337). This variant has been identified in 2/242566 chromosomes in the general population by the Genome Aggregation Database (gnomAD). Clinical relevance of loss-of-function truncation and splice variants in the TNNI3 gene is not clearly established. The available evidence is insufficient to determine the role of this variant in disease conclusively. Therefore, this variant is classified as a Variant of Uncertain Significance.

This study involves interpretation of variants in research participants for the purpose of population health screening. Participant phenotype was not available at the time of variant classification. Additional details can be found in publication PMID: 35346344, PMCID: PMC8962531

GeneDx
Classification: Uncertain significance. Last evaluated: 2024-06-27. Review status: criteria provided, single submitter. Criteria: GeneDx Variant Classification Process June 2021. Collection method: clinical testing. Allele origin: germline. Affected: yes.
Comment: Not observed at significant frequency in large population cohorts (gnomAD); Frameshift variant predicted to result in protein truncation or nonsense mediated decay in a gene or region of a gene for which loss of function is not a well-established mechanism of disease; This variant is associated with the following publications: (PMID: 25524337, 34036930, 18533079, 36699461, 36129056, 20173211, 20359594)

Ambry Genetics
Classification: Uncertain significance for Cardiovascular phenotype. Last evaluated: 2022-09-30. Review status: criteria provided, single submitter. Criteria: Ambry Variant Classification Scheme 2023. Collection method: clinical testing. Allele origin: germline.
Comment: The c.258delC variant, located in coding exon 5 of the TNNI3 gene, results from a deletion of one nucleotide at nucleotide position 258, causing a translational frameshift with a predicted alternate stop codon (p.L88Wfs*27). This alteration, which is also known as delC A86fs, has been reported in hypertrophic cardiomyopathy cohorts and a pediatric cardiomyopathy cohort; however, clinical details were limited in some cases (Olivotto I et al. Mayo Clin Proc, 2008 Jun;83:630-8; Coppini R et al. J Am Coll Cardiol, 2014 Dec;64:2589-2600; Mehaney DA et al. Cardiol Young, 2022 Feb;32:295-300). Truncating alterations in TNNI3 have been reported in patients with restrictive cardiomyopathy (RCM) and hypertrophic cardiomyopathy (HCM) (Kaski JP et al. Heart. 2008;94(11):1478-84; Kostareva A et al. Int J Cardiol. 2009;131(3):410-2; Olivotto I et al. J Am Coll Cardiol. 2011;58(8):839-48; van den Wijngaard A et al. Neth Heart J. 2011;19(7-8):344-51). This alteration is expected to result in loss of function by premature protein truncation or nonsense-mediated mRNA decay. However, loss of function of TNNI3 has not been clearly established as a mechanism of disease. Since supporting evidence is limited at this time, the clinical significance of this alteration remains unclear.

Laboratory for Molecular Medicine, Mass General Brigham Personalized Medicine
Classification: Uncertain significance for Hypertrophic cardiomyopathy. Last evaluated: 2022-06-30. Review status: criteria provided, single submitter. Criteria: ACMG Guidelines, 2015. Collection method: clinical testing. Allele origin: germline.
Comment: The p.Leu88TrpfsX27 variant in TNNI3 has been reported in 2 individuals with HCM, 1 of whom also carried a suspicious variant in MYH7 (Olivotto 2008). It was also identified in 2/242566 chromosomes by gnomAD. This variant is predicted to cause a frameshift, which alters the protein’s amino acid sequence beginning at position 88 and leads to a premature termination codon 27 amino acids downstream. This alteration is then predicted to lead to a truncated or absent protein. While heterozygous loss-of-function variants in TNNI3 are uncommon, they have been reported in cases of HCM (Olivotto 2008) and RCM with functional evidence of calcium sensitization (Kaski 2008, Kostareva 2009). However, it remains unclear if the p.Leu88TrpfsX27 variant would impact protein function. In summary, while there is some suspicion for a pathogenic role, the clinical significance of this variant is uncertain. ACMG/AMP Criteria applied: PVS1_Moderate, PM2.

Baylor Genetics
Classification: Pathogenic for Hypertrophic cardiomyopathy 7. Last evaluated: 2018-11-03. Review status: criteria provided, single submitter. Criteria: ACMG Guidelines, 2015. Collection method: clinical testing. Allele origin: paternal. Affected: yes.
Comment: This variant was determined to be pathogenic according to ACMG Guidelines, 2015 [PMID:25741868].

Literature cited by the submitters: PubMed 31568572 (cited by Labcorp Genetics (formerly Invitae), Labcorp); PubMed 34036930 (cited by 4 submitters); PubMed 35838873 (cited by Labcorp Genetics (formerly Invitae), Labcorp); PubMed 18533079 (cited by 4 submitters); PubMed 25524337 (cited by 4 submitters); PubMed 36699461 (cited by Color Diagnostics, LLC DBA Color Health); PubMed 9241277 (cited by Laboratory for Molecular Medicine, Mass General Brigham Personalized Medicine); PubMed 11735257 (cited by Laboratory for Molecular Medicine, Mass General Brigham Personalized Medicine); PubMed 18006163 (cited by Laboratory for Molecular Medicine, Mass General Brigham Personalized Medicine); PubMed 20031618 (cited by Laboratory for Molecular Medicine, Mass General Brigham Personalized Medicine); PubMed 20057144 (cited by Laboratory for Molecular Medicine, Mass General Brigham Personalized Medicine).